The following is an entry in ClinVar:

NM_004360.5(CDH1):c.1647C>A (p.Asp549Glu)

Gene: CDH1 (cadherin 1; plus strand). Cytogenetic location: 16q22.1.
Variant type: single nucleotide variant.
Coding change: c.1647C>A on transcript NM_004360.5 (MANE Select); coding-DNA position 1647, C replaced by A.
Protein change: p.Asp549Glu; replaces aspartic acid 549 with glutamic acid.
Molecular consequence: missense variant. On other transcripts: intron variant (1).
Genome position (GRCh38, 1-based): chr16:68,819,361, C>A. VCF-style: chr16-68819361-C-A. GRCh37 (hg19) VCF-style: chr16-68853264-C-A.
Other names: c.1464C>A, p.Asp488Glu (NM_001317184.2); c.99C>A, p.Asp33Glu (NM_001317185.2); c.-254-2640C>A (NM_001317186.2); short protein forms D33E, D488E, D549E.
Identifiers: ClinVar variation 4223609 (VCV004223609.1).

ClinVar aggregate classification (germline): Uncertain significance (1 of 4 stars; one submission).

Conditions:
Hereditary cancer-predisposing syndrome. Also called: Hereditary Cancer Syndrome; Hereditary neoplastic syndrome; Neoplastic Syndromes, Hereditary; Tumor predisposition. Identifiers: Orphanet 140162, MedGen C0027672, MeSH D009386, MONDO:0015356.

Submission:

Ambry Genetics
Classification: Uncertain significance for Hereditary cancer-predisposing syndrome. Last evaluated: 2025-08-08. Review status: criteria provided, single submitter. Criteria: Ambry Variant Classification Scheme 2023. Collection method: clinical testing. Allele origin: germline.
Comment: The p.D549E variant (also known as c.1647C>A), located in coding exon 11 of the CDH1 gene, results from a C to A substitution at nucleotide position 1647. The aspartic acid at codon 549 is replaced by glutamic acid, an amino acid with highly similar properties. This amino acid position is conserved. In addition, the in silico prediction for this alteration is inconclusive. Based on the available evidence, the clinical significance of this variant remains unclear.